The following is an entry in ClinVar:

NM_006950.3(SYN1):c.1354C>T (p.Pro452Ser)

Gene: SYN1 (synapsin I; minus strand). Cytogenetic location: Xp11.3.
Variant type: single nucleotide variant.
Coding change: c.1354C>T on transcript NM_006950.3 (MANE Select); coding-DNA position 1354, C replaced by T.
Protein change: p.Pro452Ser; replaces proline 452 with serine.
Molecular consequence: missense variant.
Genome position (GRCh38, 1-based): chrX:47,574,727, G>A on the plus strand (C>T on the coding strand, the complement: SYN1 is on the minus strand). VCF-style: chrX-47574727-G-A. GRCh37 (hg19) VCF-style: chrX-47434126-G-A.
Other names: c.1354C>T, p.Pro452Ser (NM_133499.2); short protein forms P452S.
Identifiers: ClinVar variation 1471813 (VCV001471813.9), dbSNP rs2147912470, ClinGen allele CA412824616.

ClinVar aggregate classification (germline): Uncertain significance. Review status: criteria provided, multiple submitters, no conflicts (2 of 4 stars). 2 submissions from 2 submitters: Uncertain significance (2). Last evaluated 2023-03-21.

Conditions:
Epilepsy, X-linked 1, with variable learning disabilities and behavior disorders. Also called: X-linked epilepsy-learning disabilities-behavior disorders syndrome. Identifiers: Orphanet 85294, MedGen C5774177, MONDO:0010339, OMIM 300491.

gnomAD v4.1: 1 of 1,189,464 alleles (0.000084%); highest among the groups gnomAD compares: Non-Finnish European, 0.00011%; no homozygotes.

Submissions (2):

Labcorp Genetics (formerly Invitae), Labcorp
Classification: Uncertain significance for Epilepsy, X-linked 1, with variable learning disabilities and behavior disorders. Last evaluated: 2023-03-21. Review status: criteria provided, single submitter. Criteria: Invitae Variant Classification Sherloc (09022015). Collection method: clinical testing. Allele origin: germline.
Comment: In summary, the available evidence is currently insufficient to determine the role of this variant in disease. Therefore, it has been classified as a Variant of Uncertain Significance. Algorithms developed to predict the effect of missense changes on protein structure and function output the following: SIFT: "Not Available"; PolyPhen-2: "Possibly Damaging"; Align-GVGD: "Not Available". The serine amino acid residue is found in multiple mammalian species, which suggests that this missense change does not adversely affect protein function. ClinVar contains an entry for this variant (Variation ID: 1471813). This variant has not been reported in the literature in individuals affected with SYN1-related conditions. This variant is not present in population databases (gnomAD no frequency). This sequence change replaces proline, which is neutral and non-polar, with serine, which is neutral and polar, at codon 452 of the SYN1 protein (p.Pro452Ser).

Blueprint Genetics
Classification: Uncertain significance. Last evaluated: 2020-01-16. Review status: criteria provided, single submitter. Criteria: ACMG Guidelines, 2015. Collection method: clinical testing. Allele origin: germline.